The following is an entry in ClinVar:

ClinVar aggregate classification (germline): Likely benign. Review status: criteria provided, multiple submitters, no conflicts (2 of 4 stars). 3 submissions from 3 submitters: Likely benign (3). Last evaluated 2025-09-30.

Conditions:
DST-related disorder. Also called: DST-related condition; DST-related disorders.
Epidermolysis bullosa simplex 3, localized or generalized intermediate, with BP230 deficiency (EBS3). Also called: Epidermolysis bullosa simplex, autosomal recessive 2; Epidermolysis bullosa simplex due to BP230 deficiency. Identifiers: Orphanet 412181, MedGen C3809470, MONDO:0014180, OMIM 615425.
Hereditary sensory and autonomic neuropathy type 6. Also called: Neuropathy, hereditary sensory and autonomic, type VI; HSAN VI. Identifiers: Orphanet 314381, MedGen C3539003, MONDO:0013839, OMIM 614653.

Allele frequency attached by ClinVar (database versions not stated): gnomAD exomes 0.00003 and 0.00007; TOPMed 0.00003; gnomAD 0.00005; ExAC 0.00006; ESP Exome Variant Server 0.00008.
gnomAD v4.1: 55 of 1,613,778 alleles (0.0034%); highest among the groups gnomAD compares: East Asian, 0.025%; no homozygotes.

Submissions (3):

Labcorp Genetics (formerly Invitae), Labcorp
Classification: Likely benign for Epidermolysis bullosa simplex 3, localized or generalized intermediate, with BP230 deficiency; Hereditary sensory and autonomic neuropathy type 6. Last evaluated: 2025-09-30. Review status: criteria provided, single submitter. Criteria: Invitae Variant Classification Sherloc (09022015). Collection method: clinical testing. Allele origin: germline.

PreventionGenetics, part of Exact Sciences
Classification: Likely benign for DST-related condition. Last evaluated: 2025-08-04. Review status: criteria provided, single submitter. Criteria: ACMG Guidelines, 2015. Collection method: clinical testing. Allele origin: germline.
Comment: This variant is classified as likely benign based on ACMG/AMP sequence variant interpretation guidelines (Richards et al. 2015 PMID: 25741868, with internal and published modifications).

Blueprint Genetics
Classification: Likely benign. Last evaluated: 2023-07-28. Review status: criteria provided, single submitter. Criteria: ACMG Guidelines, 2015. Collection method: clinical testing. Allele origin: germline.

NM_001374736.1(DST):c.23076G>A (p.Thr7692=)

Gene: DST (dystonin; minus strand). Cytogenetic location: 6p12.1.
Variant type: single nucleotide variant.
Coding change: c.23076G>A on transcript NM_001374736.1 (MANE Select); coding-DNA position 23076, G replaced by A.
Protein change: p.Thr7692=; no amino-acid change (threonine 7692 retained).
Molecular consequence: synonymous variant.
Genome position (GRCh38, 1-based): chr6:56,460,249, C>T on the plus strand (G>A on the coding strand, the complement: DST is on the minus strand). VCF-style: chr6-56460249-C-T. GRCh37 (hg19) VCF-style: chr6-56325047-C-T.
Other names: c.16647G>A (NM_001144769.2); c.16647G>A, p.Thr5549= (NM_001144769.5); c.16233G>A, p.Thr5411= (NM_001144770.2); c.23004G>A, p.Thr7668= (NM_001374722.1); c.22005G>A, p.Thr7335= (NM_001374729.1); c.15747G>A, p.Thr5249= (NM_001374730.1); c.23031G>A, p.Thr7677= (NM_001374734.1); c.16095G>A, p.Thr5365= (NM_001386100.1); and 2 more.
Identifiers: ClinVar variation 1150139 (VCV001150139.11), dbSNP rs375362610, ClinGen allele CA3866036.